The following is an entry in ClinVar:

NM_014290.3(TDRD7):c.1535A>G (p.Gln512Arg)

Genes: TDRD7 (tudor domain containing 7; plus strand), LOC126860694 (BRD4-independent group 4 enhancer GRCh37_chr9:100226535-100227734; plus strand). Cytogenetic location: 9q22.33.
Variant type: single nucleotide variant.
Coding change: c.1535A>G on transcript NM_014290.3 (MANE Select); coding-DNA position 1535, A replaced by G.
Protein change: p.Gln512Arg; replaces glutamine 512 with arginine.
Molecular consequence: missense variant.
Genome position (GRCh38, 1-based): chr9:97,464,934, A>G. VCF-style: chr9-97464934-A-G. GRCh37 (hg19) VCF-style: chr9-100227216-A-G.
Other names: c.1313A>G, p.Gln438Arg (NM_001302884.2); short protein forms Q512R, Q438R.
Identifiers: ClinVar variation 1966557 (VCV001966557.5), dbSNP rs754974413, ClinGen allele CA5146679.

ClinVar aggregate classification (germline): Uncertain significance (1 of 4 stars; one submission).

Conditions:
Cataract 36. Identifiers: MedGen C3151304, MONDO:0013484, OMIM 613887.

Allele frequency attached by ClinVar (database versions not stated): gnomAD exomes below 0.00001; ExAC 0.00001.
gnomAD v4.1: 5 of 1,614,210 alleles (0.00031%); highest among the groups gnomAD compares: Admixed American, 0.0033%; no homozygotes.

Submission:

Labcorp Genetics (formerly Invitae), Labcorp
Classification: Uncertain significance for Cataract 36. Last evaluated: 2024-12-02. Review status: criteria provided, single submitter. Criteria: Invitae Variant Classification Sherloc (09022015). Collection method: clinical testing. Allele origin: germline.
Comment: This sequence change replaces glutamine, which is neutral and polar, with arginine, which is basic and polar, at codon 512 of the TDRD7 protein (p.Gln512Arg). This variant is present in population databases (rs754974413, gnomAD 0.003%). This variant has not been reported in the literature in individuals affected with TDRD7-related conditions. ClinVar contains an entry for this variant (Variation ID: 1966557). An algorithm developed to predict the effect of missense changes on protein structure and function (PolyPhen-2) suggests that this variant is likely to be tolerated. In summary, the available evidence is currently insufficient to determine the role of this variant in disease. Therefore, it has been classified as a Variant of Uncertain Significance.